The following is an entry in ClinVar:

ClinVar aggregate classification (germline): Uncertain significance (1 of 4 stars; one submission).

Conditions:
Lipodystrophy, partial, acquired, susceptibility to (APLD). Also called: APLD, SUSCEPTIBILITY TO. Identifiers: MedGen C3887501, MONDO:0100476, OMIM 608709.
Progressive myoclonic epilepsy type 9. Identifiers: Orphanet 457265, MedGen C4225289, MONDO:0014685, OMIM 616540.

Allele frequency attached by ClinVar (database versions not stated): gnomAD 0.00001; gnomAD exomes 0.00001 and 0.00002; ExAC 0.00004.

Submission:

Labcorp Genetics (formerly Invitae), Labcorp
Classification: Uncertain significance for Progressive myoclonic epilepsy type 9; Lipodystrophy, partial, acquired, susceptibility to. Last evaluated: 2024-09-08. Review status: criteria provided, single submitter. Criteria: Invitae Variant Classification Sherloc (09022015). Collection method: clinical testing. Allele origin: germline.
Comment: This sequence change replaces arginine, which is basic and polar, with cysteine, which is neutral and slightly polar, at codon 433 of the LMNB2 protein (p.Arg433Cys). This variant is present in population databases (rs773783967, gnomAD 0.007%). This variant has not been reported in the literature in individuals affected with LMNB2-related conditions. ClinVar contains an entry for this variant (Variation ID: 1383253). An algorithm developed to predict the effect of missense changes on protein structure and function (PolyPhen-2) suggests that this variant is likely to be disruptive. In summary, the available evidence is currently insufficient to determine the role of this variant in disease. Therefore, it has been classified as a Variant of Uncertain Significance.

NM_032737.4(LMNB2):c.1297C>T (p.Arg433Cys)

Gene: LMNB2 (lamin B2; minus strand). Cytogenetic location: 19p13.3.
Variant type: single nucleotide variant.
Coding change: c.1297C>T on transcript NM_032737.4 (MANE Select); coding-DNA position 1297, C replaced by T.
Protein change: p.Arg433Cys; replaces arginine 433 with cysteine.
Molecular consequence: missense variant.
Genome position (GRCh38, 1-based): chr19:2,434,011, G>A on the plus strand (C>T on the coding strand, the complement: LMNB2 is on the minus strand). VCF-style: chr19-2434011-G-A. GRCh37 (hg19) VCF-style: chr19-2434009-G-A.
Other names: short protein forms R433C.
Identifiers: ClinVar variation 1383253 (VCV001383253.6), dbSNP rs773783967, ClinGen allele CA9067541.